The following is an entry in ClinVar:

NM_000373.4(UMPS):c.*3589C>T

Gene: UMPS (uridine monophosphate synthetase; plus strand). Cytogenetic location: 3q21.2.
Variant type: single nucleotide variant.
Coding change: c.*3589C>T on transcript NM_000373.4 (MANE Select); 3589 bases downstream of the stop codon, C replaced by T.
Molecular consequence: 3 prime UTR variant. On other transcripts: non-coding transcript variant (2).
Genome position (GRCh38, 1-based): chr3:124,747,673, C>T. VCF-style: chr3-124747673-C-T. GRCh37 (hg19) VCF-style: chr3-124466520-C-T.
Identifiers: ClinVar variation 343011 (VCV000343011.5), dbSNP rs10934685, ClinGen allele CA2582126.

ClinVar aggregate classification (germline): Benign (1 of 4 stars; one submission).

Conditions:
Oroticaciduria. Also called: Orotic aciduria. Identifiers: Orphanet 30, MedGen C0268128, HP:0003218.

Allele frequency attached by ClinVar (database versions not stated): TOPMed 0.25400; gnomAD 0.24694 and 0.24691; ExAC 0.22879; 1000 Genomes Project 30x 0.23954; 1000 Genomes Project 0.24201.
gnomAD v4.1: 117,200 of 452,540 alleles (26%); highest among the groups gnomAD compares: East Asian, 35%; 16,197 homozygotes.

Submission:

Illumina Laboratory Services, Illumina
Classification: Benign for Hereditary orotic aciduria. Last evaluated: 2018-01-12. Review status: criteria provided, single submitter. Criteria: ICSL Variant Classification Criteria 13 December 2019. Collection method: clinical testing. Allele origin: germline.
Comment: This variant was observed in the ICSL laboratory as part of a predisposition screen in an ostensibly healthy population. It had not been previously curated by ICSL or reported in the Human Gene Mutation Database (HGMD: prior to June 1st, 2018), and was therefore a candidate for classification through an automated scoring system. Utilizing variant allele frequency, disease prevalence and penetrance estimates, and inheritance mode, an automated score was calculated to assess if this variant is too frequent to cause the disease. Based on the score and internal cut-off values, a variant classified as benign is not then subjected to further curation. The score for this variant resulted in a classification of benign for this disease.